The following is an entry in ClinVar:

ClinVar aggregate classification (germline): Benign/Likely benign. Review status: criteria provided, multiple submitters, no conflicts (2 of 4 stars). 4 submissions from 4 submitters: Benign (3); Likely benign (1). Last evaluated 2025-10-07.

Allele frequency attached by ClinVar (database versions not stated): gnomAD exomes 0.00040 and 0.00088; ExAC 0.00150; gnomAD 0.00381 and 0.00418; ESP Exome Variant Server 0.00384; 1000 Genomes Project 30x 0.00422; 1000 Genomes Project 0.00439; TOPMed 0.00442.

Submissions (4):

Labcorp Genetics (formerly Invitae), Labcorp
Classification: Benign. Last evaluated: 2025-10-07. Review status: criteria provided, single submitter. Criteria: Invitae Variant Classification Sherloc (09022015). Collection method: clinical testing. Allele origin: germline.

Athena Diagnostics
Classification: Benign. Last evaluated: 2024-12-02. Review status: criteria provided, single submitter. Criteria: Athena Diagnostics Criteria. Collection method: clinical testing. Allele origin: unknown.
Comment: The frequency of this variant in the general population is higher than would generally be expected for pathogenic variants in this gene.

Blueprint Genetics
Classification: Likely benign. Last evaluated: 2024-11-13. Review status: criteria provided, single submitter. Criteria: ACMG Guidelines, 2015. Collection method: clinical testing. Allele origin: germline.

Breakthrough Genomics
Classification: Benign. Review status: criteria provided, single submitter. Criteria: ACMG Guidelines, 2015. Collection method: not provided. Allele origin: germline. Inheritance: Autosomal dominant inheritance. Affected: yes.

NM_001961.4(EEF2):c.2530C>T (p.Leu844=)

Gene: EEF2 (eukaryotic translation elongation factor 2; minus strand). Cytogenetic location: 19p13.3.
Variant type: single nucleotide variant.
Coding change: c.2530C>T on transcript NM_001961.4 (MANE Select); coding-DNA position 2530, C replaced by T.
Protein change: p.Leu844=; no amino-acid change (leucine 844 retained).
Molecular consequence: synonymous variant.
Genome position (GRCh38, 1-based): chr19:3,976,601, G>A on the plus strand (C>T on the coding strand, the complement: EEF2 is on the minus strand). VCF-style: chr19-3976601-G-A. GRCh37 (hg19) VCF-style: chr19-3976599-G-A.
Identifiers: ClinVar variation 447301 (VCV000447301.15), dbSNP rs34012995, ClinGen allele CA9088502.
Genomic context (GRCh38, chr19:3,976,601, plus strand): 5'-CAGGAAGGGCCGCCTACAATTTGTCCAGGAAGTTGTCCAGGGCAGGGATGCCTTCTTTCA[G>A]GCCCTTGCGCTTGCGGGTCTCCGCCACCACCTGGCTGGGGCGGCTGCTGTTGTCGAAGGG-3'
Protein context (NP_001952.1, residues 834-854): VVAETRKRKG[Leu844=]KEGIPALDNF